The following is an entry in ClinVar:

ClinVar aggregate classification (germline): Pathogenic/Likely pathogenic. Review status: criteria provided, multiple submitters, no conflicts (2 of 4 stars). 10 submissions from 10 submitters: Pathogenic (5); Likely pathogenic (2). 3 of the submissions do not count toward it. Last evaluated 2026-01-26.

Conditions:
ABCC6-related disorder. Also called: ABCC6-related condition.
Arterial calcification, generalized, of infancy, 2. Identifiers: Orphanet 51608, MedGen C3276161, MONDO:0013768, OMIM 614473.
Autosomal recessive inherited pseudoxanthoma elasticum (PXE). Identifiers: Orphanet 758, MedGen CN032334, MONDO:0009925, OMIM 264800.
Pseudoxanthoma elasticum, forme fruste. Also called: PSEUDOXANTHOMA ELASTICUM, HETEROZYGOUS; Pseudoxanthoma Elasticum, Incomplete. Identifiers: Orphanet 758, MedGen C1867450, MONDO:0008333, OMIM 177850.

Allele frequency attached by ClinVar (database versions not stated): gnomAD 0.00003 and 0.00004; TOPMed 0.00003; gnomAD exomes 0.00005; ExAC 0.00008.

Submissions (10):

Labcorp Genetics (formerly Invitae), Labcorp
Classification: Pathogenic. Last evaluated: 2026-01-26. Review status: criteria provided, single submitter. Criteria: Invitae Variant Classification Sherloc (09022015). Collection method: clinical testing. Allele origin: germline.
Comment: This sequence change replaces glycine, which is neutral and non-polar, with arginine, which is basic and polar, at codon 1302 of the ABCC6 protein (p.Gly1302Arg). This variant is present in population databases (rs63749856, gnomAD 0.01%). This missense change has been observed in individuals with pseudoxanthoma elasticum (PMID: 11536079, 16086317, 21179111). ClinVar contains an entry for this variant (Variation ID: 6579). Invitae Evidence Modeling of protein sequence and biophysical properties (such as structural, functional, and spatial information, amino acid conservation, physicochemical variation, residue mobility, and thermodynamic stability) indicates that this missense variant is expected to disrupt ABCC6 protein function with a positive predictive value of 95%. For these reasons, this variant has been classified as Pathogenic.

GeneDx
Classification: Pathogenic. Last evaluated: 2026-01-08. Review status: criteria provided, single submitter. Criteria: GeneDx Variant Classification Process June 2021. Collection method: clinical testing. Allele origin: germline. Affected: yes.
Comment: Published functional studies demonstrate that this variant, located at a position within an ATP binding region of the ABC transporter 2 domain, disrupts the ABCC6-mediated transport of glutathione conjugates (PMID: 11880368); In silico analysis supports that this missense variant has a deleterious effect on protein structure/function; This variant is associated with the following publications: (PMID: 19133228, 19339160, 16086317, 12673275, 17617515, 32873932, 17251343, 20189652, 32413269, 21179111, 11880368, 29480367, 15727254, 34205333, 11536079, 34906475)

Variantyx, Inc.
Classification: Likely pathogenic for Autosomal recessive inherited pseudoxanthoma elasticum. Last evaluated: 2025-03-17. Review status: criteria provided, single submitter. Criteria: Variantyx Assertion Criteria 2022. Collection method: clinical testing. Allele origin: germline.
Comment: This is a nonsynonymous variant in the ABCC6 gene (OMIM: 603234). Pathogenic variants in this gene have been associated with autosomal recessive pseudoxanthoma elasticum. This variant has been identified in the homozygous or compound heterozygous state in at least 4 individual(s) from the published literature (PMID: 11536079, 16086317, 21179111, 34906475) (PM3_Strong). This variant lies within a known hotspot for pathogenic variants or a well-established critical functional domain of the ABCC6 protein (PMID: 11880368) (PM1). Multiple computational algorithms predict a deleterious effect for this variant (REVEL score: 0.934) (PP3_Moderate). This variant has a 0.0100% maximum allele frequency in non-founder control populations (PM2_Supporting). Based on the current evidence, this variant is classified as likely pathogenic for autosomal recessive pseudoxanthoma elasticum.

Blueprint Genetics
Classification: Pathogenic for ABCC6-related disorders. Last evaluated: 2024-11-20. Review status: criteria provided, single submitter. Criteria: ACMG Guidelines, 2015. Collection method: clinical testing. Allele origin: germline. Affected: yes. Observed: 5 variant alleles.

Genomic Medicine Center of Excellence, King Faisal Specialist Hospital and Research Centre
Classification: Pathogenic for Autosomal recessive inherited pseudoxanthoma elasticum. Last evaluated: 2024-04-04. Review status: criteria provided, single submitter. Criteria: ACMG Guidelines, 2015. Collection method: clinical testing. Allele origin: germline.

Fulgent Genetics
Classification: Pathogenic for Pseudoxanthoma elasticum, forme fruste; Autosomal recessive inherited pseudoxanthoma elasticum; Arterial calcification, generalized, of infancy, 2. Last evaluated: 2024-02-29. Review status: criteria provided, single submitter. Criteria: ACMG Guidelines, 2015. Collection method: clinical testing. Allele origin: germline.

Revvity Omics, Revvity
Classification: Likely pathogenic. Last evaluated: 2021-07-15. Review status: criteria provided, single submitter. Criteria: ACMG Guidelines, 2015. Collection method: clinical testing. Allele origin: germline.

PreventionGenetics, part of Exact Sciences
Classification: Pathogenic for ABCC6-related condition. Last evaluated: 2024-09-26. Review status: no assertion criteria provided. Collection method: clinical testing. Allele origin: germline. Not counted in ClinVar's aggregate classification.
Comment: The ABCC6 c.3904G>A variant is predicted to result in the amino acid substitution p.Gly1302Arg. This variant has been reported in the homozygous and compound heterozygous states in individuals with pseudoxanthoma elasticum (Le Saux et al. 2001. PubMed ID: 11536079; Miksch et al. 2005. PubMed ID: 16086317; Li et al. 2011. PubMed ID: 21179111; Table S1, Boraldi et al. 2021. PubMed ID: 34205333). This variant is reported in 0.0086% of alleles in individuals of European (Non-Finnish) descent in gnomAD. This variant is interpreted as pathogenic.

PXE International
Classification: Pathogenic for Autosomal recessive inherited pseudoxanthoma elasticum. Last evaluated: 2021-03-01. Review status: no assertion criteria provided. Collection method: research. Allele origin: germline. Inheritance: Autosomal recessive inheritance. Affected: yes. Observed: 13 variant alleles. Clinical features observed: Papule (HP:0200034), Retinal hemorrhage (HP:0000573), Intermittent claudication (HP:0004417), Angina pectoris (HP:0001681), Abnormal EKG (HP:0003115), Weak or absent arterial pulse, Skin plaque (HP:0200035), Angioid streaks (HP:0001102), Abnormally lax or hyperextensible skin (HP:0008067). Not counted in ClinVar's aggregate classification.

OMIM
Classification: Pathogenic for PSEUDOXANTHOMA ELASTICUM. Last evaluated: 2002-10-01. Review status: no assertion criteria provided. Collection method: literature only. Allele origin: germline. Not counted in ClinVar's aggregate classification.

Literature cited by the submitters: PubMed 11536079 (cited by Labcorp Genetics (formerly Invitae), Labcorp); PubMed 16086317 (cited by Labcorp Genetics (formerly Invitae), Labcorp); PubMed 21179111 (cited by Labcorp Genetics (formerly Invitae), Labcorp); PubMed 32873932 (cited by PXE International); PubMed 12384774 (cited by OMIM); PubMed 11880368 (cited by OMIM).

NM_001171.6(ABCC6):c.3904G>A (p.Gly1302Arg)

Gene: ABCC6 (ATP binding cassette subfamily C member 6; minus strand). Cytogenetic location: 16p13.11.
Variant type: single nucleotide variant.
Coding change: c.3904G>A on transcript NM_001171.6 (MANE Select); coding-DNA position 3904, G replaced by A.
Protein change: p.Gly1302Arg; replaces glycine 1302 with arginine.
Molecular consequence: missense variant. On other transcripts: non-coding transcript variant (1).
Genome position (GRCh38, 1-based): chr16:16,155,010, C>T on the plus strand (G>A on the coding strand, the complement: ABCC6 is on the minus strand). VCF-style: chr16-16155010-C-T. GRCh37 (hg19) VCF-style: chr16-16248867-C-T.
Other names: c.3562G>A, p.Gly1188Arg (NM_001351800.1); short protein forms G1302R, G1188R.
Identifiers: ClinVar variation 6579 (VCV000006579.26), dbSNP rs63749856, ClinGen allele CA281583.